The following is an entry in ClinVar:

NM_004006.3(DMD):c.6290+3A>G

Gene: DMD (dystrophin; minus strand). Cytogenetic location: Xp21.1.
Variant type: single nucleotide variant.
Coding change: c.6290+3A>G on transcript NM_004006.3 (MANE Select); 3 bases into the intron after coding-DNA position 6290, A replaced by G.
Molecular consequence: intron variant.
Genome position (GRCh38, 1-based): chrX:32,287,526, T>C on the plus strand (A>G on the coding strand, the complement: DMD is on the minus strand). VCF-style: chrX-32287526-T-C. GRCh37 (hg19) VCF-style: chrX-32305643-T-C.
Other names: c.6266+3A>G (NM_000109.4); c.2267+3A>G (NM_004011.4); c.2258+3A>G (NM_004012.4); c.6278+3A>G (NM_004009.3); c.5921+3A>G (NM_004010.3); c.6290+3A>G (NM_004006.2).
Identifiers: ClinVar variation 2106543 (VCV002106543.4), dbSNP rs1433000842, ClinGen allele CA641365386.

ClinVar aggregate classification (germline): Uncertain significance. Review status: criteria provided, multiple submitters, no conflicts (2 of 4 stars). 2 submissions from 2 submitters: Uncertain significance (2). Last evaluated 2025-10-10.

Conditions:
Cardiovascular phenotype. Identifiers: MedGen CN230736.
Duchenne muscular dystrophy (DMD). Also called: MUSCULAR DYSTROPHY, PSEUDOHYPERTROPHIC PROGRESSIVE, DUCHENNE TYPE; Duchenne Muscular Dystrophy (DMD). Identifiers: Orphanet 98896, MedGen C0013264, MONDO:0010679, OMIM 310200.

Allele frequency attached by ClinVar (database versions not stated): gnomAD exomes 0.00001; gnomAD 0.00002; TOPMed 0.00002.
gnomAD v4.1: 10 of 1,206,975 alleles (0.00083%); highest among the groups gnomAD compares: African/African-American, 0.007%; no homozygotes.

Submissions (2):

Ambry Genetics
Classification: Uncertain significance for Cardiovascular phenotype. Last evaluated: 2025-10-10. Review status: criteria provided, single submitter. Criteria: Ambry Variant Classification Scheme 2023. Collection method: clinical testing. Allele origin: germline.
Comment: The c.6290+3A>G intronic variant results from an A to G substitution 3 nucleotides after coding exon 43 in the DMD gene. Based on data from gnomAD, the G allele has an overall frequency of 0.0015% (3/204035) total alleles studied, with 1 hemizygote(s) observed. The highest observed frequency was 0.0105% (2/18974) of African alleles. This nucleotide position is highly conserved in available vertebrate species. In silico splice site analysis predicts that this alteration will not have any significant effect on splicing. Based on the available evidence, the clinical significance of this variant remains unclear.

Labcorp Genetics (formerly Invitae), Labcorp
Classification: Uncertain significance for Duchenne muscular dystrophy. Last evaluated: 2025-02-11. Review status: criteria provided, single submitter. Criteria: Invitae Variant Classification Sherloc (09022015). Collection method: clinical testing. Allele origin: germline.
Comment: This sequence change falls in intron 43 of the DMD gene. It does not directly change the encoded amino acid sequence of the DMD protein. It affects a nucleotide within the consensus splice site. This variant is present in population databases (no rsID available, gnomAD 0.01%). This variant has not been reported in the literature in individuals affected with DMD-related conditions. ClinVar contains an entry for this variant (Variation ID: 2106543). Variants that disrupt the consensus splice site are a relatively common cause of aberrant splicing (PMID: 17576681, 9536098). Algorithms developed to predict the effect of sequence changes on RNA splicing suggest that this variant may create or strengthen a splice site. In summary, the available evidence is currently insufficient to determine the role of this variant in disease. Therefore, it has been classified as a Variant of Uncertain Significance.

Literature cited by the submitters: PubMed 17576681 (cited by Labcorp Genetics (formerly Invitae), Labcorp); PubMed 9536098 (cited by Labcorp Genetics (formerly Invitae), Labcorp).